The following is an entry in ClinVar:

NM_022132.5(MCCC2):c.170A>G (p.His57Arg)

Gene: MCCC2 (methylcrotonyl-CoA carboxylase subunit 2; plus strand). Cytogenetic location: 5q13.2.
Variant type: single nucleotide variant.
Coding change: c.170A>G on transcript NM_022132.5 (MANE Select); coding-DNA position 170, A replaced by G.
Protein change: p.His57Arg; replaces histidine 57 with arginine.
Molecular consequence: missense variant.
Genome position (GRCh38, 1-based): chr5:71,592,966, A>G. VCF-style: chr5-71592966-A-G. GRCh37 (hg19) VCF-style: chr5-70888793-A-G.
Other names: c.170A>G, p.His57Arg (NM_001363147.1); short protein forms H57R.
Identifiers: ClinVar variation 1982858 (VCV001982858.3), dbSNP rs773335215, ClinGen allele CA3297679.

ClinVar aggregate classification (germline): Uncertain significance. Review status: criteria provided, multiple submitters, no conflicts (2 of 4 stars). 2 submissions from 2 submitters: Uncertain significance (2). Last evaluated 2024-09-06.

Conditions:
3-methylcrotonyl-CoA carboxylase 2 deficiency. Also called: 3 alpha methylcrotonyl-CoA carboxylase 2 deficiency; 3 alpha methylcrotonylglycinuria 2; MCC 2 deficiency; Methylcrotonylglycinuria type 2; METHYLCROTONYLGLYCINURIA, TYPE II. Identifiers: Orphanet 6, MedGen C1859499, MONDO:0008862, OMIM 210210.

Allele frequency attached by ClinVar (database versions not stated): ExAC 0.00001; gnomAD 0.00001; gnomAD exomes 0.00002.
gnomAD v4.1: 27 of 1,613,566 alleles (0.0017%); highest among the groups gnomAD compares: Middle Eastern, 0.082%; no homozygotes.

Submissions (2):

Labcorp Genetics (formerly Invitae), Labcorp
Classification: Uncertain significance for 3-methylcrotonyl-CoA carboxylase 2 deficiency. Last evaluated: 2024-09-06. Review status: criteria provided, single submitter. Criteria: Invitae Variant Classification Sherloc (09022015). Collection method: clinical testing. Allele origin: germline.
Comment: This sequence change replaces histidine, which is basic and polar, with arginine, which is basic and polar, at codon 57 of the MCCC2 protein (p.His57Arg). This variant is present in population databases (rs773335215, gnomAD 0.009%). This variant has not been reported in the literature in individuals affected with MCCC2-related conditions. ClinVar contains an entry for this variant (Variation ID: 1982858). Invitae Evidence Modeling of protein sequence and biophysical properties (such as structural, functional, and spatial information, amino acid conservation, physicochemical variation, residue mobility, and thermodynamic stability) indicates that this missense variant is not expected to disrupt MCCC2 protein function with a negative predictive value of 80%. In summary, the available evidence is currently insufficient to determine the role of this variant in disease. Therefore, it has been classified as a Variant of Uncertain Significance.

Genomic Medicine Center of Excellence, King Faisal Specialist Hospital and Research Centre
Classification: Uncertain significance for 3-methylcrotonyl-CoA carboxylase 2 deficiency. Last evaluated: 2024-03-25. Review status: criteria provided, single submitter. Criteria: ACMG Guidelines, 2015. Collection method: clinical testing. Allele origin: germline.